The following is an entry in ClinVar:

ClinVar aggregate classification (germline): Likely pathogenic (1 of 4 stars; one submission).

Conditions:
CHARGE syndrome (CHARGE). Also called: Coloboma, heart anomaly, choanal atresia, retardation, genital and ear anomalies; CHARGE association; Hall-Hittner syndrome; Hittner Hirsch Kreh syndrome; CHARGE ASSOCIATION--COLOBOMA, HEART ANOMALY, CHOANAL ATRESIA, RETARDATION, GENITAL AND EAR ANOMALIES. Identifiers: Orphanet 138, MedGen C0265354, MONDO:0008965.

Submission:

Rady Children's Institute for Genomic Medicine, Rady Children's Hospital San Diego
Classification: Likely pathogenic for CHARGE SYNDROME. Last evaluated: 2019-03-14. Review status: criteria provided, single submitter. Criteria: ACMG Guidelines, 2015. Collection method: clinical testing. Allele origin: germline. Affected: yes. Observed: 1 variant allele.
Comment: This nonsense variant found in exon 31 of 38 is predicted to result in loss of normal protein function. This variant has not been previously reported or functionally characterized in the literature to our knowledge. It is absent from the ExAC and gnomAD population databases and thus is presumed to be rare. Based on the available evidence, the c.6561T>A (p.Cys2187Ter) variant is classified as likely pathogenic.

NM_017780.4(CHD7):c.6561T>A (p.Cys2187Ter)

Gene: CHD7 (chromodomain helicase DNA binding protein 7; plus strand). Cytogenetic location: 8q12.2.
Variant type: single nucleotide variant.
Coding change: c.6561T>A on transcript NM_017780.4 (MANE Select); coding-DNA position 6561, T replaced by A.
Protein change: p.Cys2187Ter; replaces cysteine 2187 with a stop codon.
Molecular consequence: nonsense. On other transcripts: intron variant (1).
Genome position (GRCh38, 1-based): chr8:60,853,286, T>A. VCF-style: chr8-60853286-T-A. GRCh37 (hg19) VCF-style: chr8-61765845-T-A.
Other names: c.1717-8943T>A (NM_001316690.1); short protein forms C2187*.
Identifiers: ClinVar variation 692084 (VCV000692084.1), dbSNP rs1586446578, ClinGen allele CA371325729.